The following is an entry in ClinVar:

ClinVar aggregate classification (germline): Uncertain significance. Review status: criteria provided, multiple submitters, no conflicts (2 of 4 stars). 2 submissions from 2 submitters: Uncertain significance (2). Last evaluated 2025-10-03.

Conditions:
Duchenne muscular dystrophy (DMD). Also called: MUSCULAR DYSTROPHY, PSEUDOHYPERTROPHIC PROGRESSIVE, DUCHENNE TYPE; Duchenne Muscular Dystrophy (DMD). Identifiers: Orphanet 98896, MedGen C0013264, MONDO:0010679, OMIM 310200.

Allele frequency attached by ClinVar (database versions not stated): gnomAD exomes below 0.00001; TOPMed below 0.00001; gnomAD 0.00001.
gnomAD v4.1: 4 of 1,209,822 alleles (0.00033%); highest among the groups gnomAD compares: Non-Finnish European, 0.00045%; no homozygotes.

Submissions (2):

Labcorp Genetics (formerly Invitae), Labcorp
Classification: Uncertain significance for Duchenne muscular dystrophy. Last evaluated: 2025-10-03. Review status: criteria provided, single submitter. Criteria: Invitae Variant Classification Sherloc (09022015). Collection method: clinical testing. Allele origin: germline.
Comment: This sequence change replaces lysine, which is basic and polar, with asparagine, which is neutral and polar, at codon 328 of the DMD protein (p.Lys328Asn). This variant is not present in population databases (gnomAD no frequency). This variant has not been reported in the literature in individuals affected with DMD-related conditions. ClinVar contains an entry for this variant (Variation ID: 498948). Invitae Evidence Modeling of protein sequence and biophysical properties (such as structural, functional, and spatial information, amino acid conservation, physicochemical variation, residue mobility, and thermodynamic stability) indicates that this missense variant is not expected to disrupt DMD protein function with a negative predictive value of 95%. In summary, the available evidence is currently insufficient to determine the role of this variant in disease. Therefore, it has been classified as a Variant of Uncertain Significance.

Eurofins Ntd Llc (ga)
Classification: Uncertain significance. Last evaluated: 2016-12-06. Review status: criteria provided, single submitter. Criteria: EGL Classification Definitions 2015. Collection method: clinical testing. Allele origin: germline. Observed: 1 variant allele, 1 heterozygote.

NM_004006.3(DMD):c.984G>T (p.Lys328Asn)

Gene: DMD (dystrophin; minus strand). Cytogenetic location: Xp21.1.
Variant type: single nucleotide variant.
Coding change: c.984G>T on transcript NM_004006.3 (MANE Select); coding-DNA position 984, G replaced by T.
Protein change: p.Lys328Asn; replaces lysine 328 with asparagine.
Molecular consequence: missense variant.
Genome position (GRCh38, 1-based): chrX:32,645,129, C>A on the plus strand (G>T on the coding strand, the complement: DMD is on the minus strand). VCF-style: chrX-32645129-C-A. GRCh37 (hg19) VCF-style: chrX-32663246-C-A.
Other names: c.960G>T, p.Lys320Asn (NM_000109.4); c.972G>T, p.Lys324Asn (NM_004009.3); c.615G>T, p.Lys205Asn (NM_004010.3); short protein forms K328N, K320N, K324N, K205N.
Identifiers: ClinVar variation 498948 (VCV000498948.8), dbSNP rs1278090805, ClinGen allele CA412662354.
Genomic context (GRCh38, chrX:32,645,129, plus strand): 5'-TAAAGCTGTTTGATAACGGTCCAGGTTTACTTCACTCTCCATCAATGAACTGCCAAATGA[C>A]TTGTCTTCAGGAGCTTCCAAATGCTGCACAATAAAATAAATTGGGTGTTACACAATTAAT-3'
Protein context (NP_003997.2, residues 318-338): PSQHLEAPED[Lys328Asn]SFGSSLMESE